The following is an entry in ClinVar:

NM_003184.4(TAF2):c.1835T>A (p.Val612Asp)

Gene: TAF2 (TATA-box binding protein associated factor 2; minus strand). Cytogenetic location: 8q24.12.
Variant type: single nucleotide variant.
Coding change: c.1835T>A on transcript NM_003184.4 (MANE Select); coding-DNA position 1835, T replaced by A.
Protein change: p.Val612Asp; replaces valine 612 with aspartic acid.
Molecular consequence: missense variant.
Genome position (GRCh38, 1-based): chr8:119,785,225, A>T on the plus strand (T>A on the coding strand, the complement: TAF2 is on the minus strand). VCF-style: chr8-119785225-A-T. GRCh37 (hg19) VCF-style: chr8-120797465-A-T.
Other names: short protein forms V612D.
Identifiers: ClinVar variation 1359344 (VCV001359344.8), dbSNP rs1822937689, ClinGen allele CA371881690.

ClinVar aggregate classification (germline): Uncertain significance (1 of 4 stars; one submission).

Submission:

Labcorp Genetics (formerly Invitae), Labcorp
Classification: Uncertain significance. Last evaluated: 2021-12-03. Review status: criteria provided, single submitter. Criteria: Invitae Variant Classification Sherloc (09022015). Collection method: clinical testing. Allele origin: germline.
Comment: This variant is not present in population databases (gnomAD no frequency). This variant has not been reported in the literature in individuals affected with TAF2-related conditions. Algorithms developed to predict the effect of missense changes on protein structure and function are either unavailable or do not agree on the potential impact of this missense change (SIFT: "Deleterious"; PolyPhen-2: "Probably Damaging"; Align-GVGD: "Class C0"). In summary, the available evidence is currently insufficient to determine the role of this variant in disease. Therefore, it has been classified as a Variant of Uncertain Significance. This sequence change replaces valine, which is neutral and non-polar, with aspartic acid, which is acidic and polar, at codon 612 of the TAF2 protein (p.Val612Asp).